The following is an entry in ClinVar:

NM_031418.4(ANO3):c.746C>G (p.Thr249Ser)

Gene: ANO3 (anoctamin 3; plus strand). Cytogenetic location: 11p14.2.
Variant type: single nucleotide variant.
Coding change: c.746C>G on transcript NM_031418.4 (MANE Select); coding-DNA position 746, C replaced by G.
Protein change: p.Thr249Ser; replaces threonine 249 with serine.
Molecular consequence: missense variant.
Genome position (GRCh38, 1-based): chr11:26,531,213, C>G. VCF-style: chr11-26531213-C-G. GRCh37 (hg19) VCF-style: chr11-26552760-C-G.
Other names: c.929C>G, p.Thr310Ser (NM_001313726.2); c.308C>G, p.Thr103Ser (NM_001313727.2); c.746C>G (NM_031418.2); short protein forms T103S, T249S, T310S.
Identifiers: ClinVar variation 2041765 (VCV002041765.7), dbSNP rs377576398, ClinGen allele CA5925674.
Genomic context (GRCh38, chr11:26,531,213, plus strand): 5'-CATGGCTTTGGAATACAACCTAATCTAGTTCTCAAATGTGACTTCATTCCAGGATGCAAA[C>G]TTATTTTAGAAGAATCAAAAACTGGATGGCCCAAAACCCAATGGTTCTTGACAAGTCAGC-3'
Protein context (NP_113606.2, residues 239-259): GRSKSMGRMQ[Thr249Ser]YFRRIKNWMA

ClinVar aggregate classification (germline): Uncertain significance. Review status: criteria provided, multiple submitters, no conflicts (2 of 4 stars). 2 submissions from 2 submitters: Uncertain significance (2). Last evaluated 2025-08-10.

Conditions:
Dystonic disorder. Also called: Dystonia. Identifiers: MedGen C0013421, MONDO:0003441, HP:0001332.
Inborn genetic diseases. Identifiers: MedGen C0950123, MeSH D030342.

Allele frequency attached by ClinVar (database versions not stated): ExAC 0.00003; TOPMed 0.00006; gnomAD exomes 0.00001; gnomAD 0.00005; ESP Exome Variant Server 0.00015.
gnomAD v4.1: 24 of 1,613,776 alleles (0.0015%); highest among the groups gnomAD compares: African/African-American, 0.029%; no homozygotes.

Submissions (2):

Ambry Genetics
Classification: Uncertain significance for Inborn genetic diseases. Last evaluated: 2025-08-10. Review status: criteria provided, single submitter. Criteria: Ambry Variant Classification Scheme 2023. Collection method: clinical testing. Allele origin: germline.

Labcorp Genetics (formerly Invitae), Labcorp
Classification: Uncertain significance for Dystonic disorder. Last evaluated: 2024-09-15. Review status: criteria provided, single submitter. Criteria: Invitae Variant Classification Sherloc (09022015). Collection method: clinical testing. Allele origin: germline.
Comment: This sequence change replaces threonine, which is neutral and polar, with serine, which is neutral and polar, at codon 249 of the ANO3 protein (p.Thr249Ser). This variant is present in population databases (rs377576398, gnomAD 0.02%). This variant has not been reported in the literature in individuals affected with ANO3-related conditions. ClinVar contains an entry for this variant (Variation ID: 2041765). Invitae Evidence Modeling of protein sequence and biophysical properties (such as structural, functional, and spatial information, amino acid conservation, physicochemical variation, residue mobility, and thermodynamic stability) indicates that this missense variant is not expected to disrupt ANO3 protein function with a negative predictive value of 95%. In summary, the available evidence is currently insufficient to determine the role of this variant in disease. Therefore, it has been classified as a Variant of Uncertain Significance.